The following is an entry in ClinVar:

GRCh38/hg38 12q14.1-14.2(chr12:60303553-63356583)x3

Genes: AVPR1A (arginine vasopressin receptor 1A; minus strand), LINC01465 (long intergenic non-protein coding RNA 1465; minus strand), MIR6125 (microRNA 6125; plus strand), MIRLET7I (microRNA let-7i; plus strand), MIRLET7IHG (MIRLET7I host gene; plus strand) and 31 more. Cytogenetic location: 12q14.1-14.2.
Variant type: copy number gain.
Change: copy number 3 (three copies instead of two) of chr12:60,303,553-63,356,583 (3.05 Mb, GRCh38 coordinates, 1-based), cytogenetic band 12q14.1-14.2.
Identifiers: ClinVar variation 58212 (VCV000058212.1).

ClinVar aggregate classification (germline): Uncertain significance (1 of 4 stars; one submission).

Submission:

ISCA site 15
Classification: Uncertain significance. Last evaluated: 2011-08-12. Review status: criteria provided, single submitter. Criteria: Kaminsky et al. (Genet Med. 2011). Collection method: clinical testing. Allele origin: paternal. Affected: yes. Observed: 1 variant allele.
Comment: Copy number variation identified through the course of routine clinical cytogenomic testing in postnatal populations. Clinical assertions have been curated as described in Kaminsky et al. 2011.